The following is an entry in ClinVar:

NM_001394531.1(WDFY4):c.8311G>A (p.Asp2771Asn)

Gene: WDFY4 (WDFY family member 4; plus strand). Cytogenetic location: 10q11.23.
Variant type: single nucleotide variant.
Coding change: c.8311G>A on transcript NM_001394531.1 (MANE Select); coding-DNA position 8311, G replaced by A.
Protein change: p.Asp2771Asn; replaces aspartic acid 2771 with asparagine.
Molecular consequence: missense variant.
Genome position (GRCh38, 1-based): chr10:48,963,929, G>A. VCF-style: chr10-48963929-G-A. GRCh37 (hg19) VCF-style: chr10-50171974-G-A.
Other names: c.8311G>A, p.Asp2771Asn (NM_020945.2); short protein forms D2771N.
Identifiers: ClinVar variation 3355477 (VCV003355477.1).

ClinVar aggregate classification (germline): Uncertain significance (0 of 4 stars; one submission).

Conditions:
WDFY4-related disorder. Also called: WDFY4-related condition.

Submission:

PreventionGenetics, part of Exact Sciences
Classification: Uncertain significance for WDFY4-related condition. Last evaluated: 2024-06-12. Review status: no assertion criteria provided. Collection method: clinical testing. Allele origin: germline.
Comment: The WDFY4 c.8311G>A variant is predicted to result in the amino acid substitution p.Asp2771Asn. To our knowledge, this variant has not been reported in the literature or in a large population database, indicating this variant is rare. At this time, the clinical significance of this variant is uncertain due to the absence of conclusive functional and genetic evidence.